The following is an entry in ClinVar:

NM_058216.3(RAD51C):c.728G>C (p.Gly243Ala)

Gene: RAD51C (RAD51 paralog C; plus strand). Cytogenetic location: 17q22.
Variant type: single nucleotide variant.
Coding change: c.728G>C on transcript NM_058216.3 (MANE Select); coding-DNA position 728, G replaced by C.
Protein change: p.Gly243Ala; replaces glycine 243 with alanine.
Molecular consequence: missense variant. On other transcripts: non-coding transcript variant (1).
Genome position (GRCh38, 1-based): chr17:58,709,881, G>C. VCF-style: chr17-58709881-G-C. GRCh37 (hg19) VCF-style: chr17-56787242-G-C.
Other names: c.*156G>C (NM_058217.1); short protein forms G243A.
Identifiers: ClinVar variation 2999511 (VCV002999511.3), dbSNP rs2143850723, ClinGen allele CA400353318.

ClinVar aggregate classification (germline): Uncertain significance (1 of 4 stars; one submission).

Conditions:
Fanconi anemia complementation group O. Also called: RAD51C-Related Fanconi Anemia. Identifiers: Orphanet 84, MedGen C3150653, MONDO:0013248, OMIM 613390.

Submission:

Labcorp Genetics (formerly Invitae), Labcorp
Classification: Uncertain significance for Fanconi anemia complementation group O. Last evaluated: 2024-08-22. Review status: criteria provided, single submitter. Criteria: Invitae Variant Classification Sherloc (09022015). Collection method: clinical testing. Allele origin: germline.
Comment: This sequence change replaces glycine, which is neutral and non-polar, with alanine, which is neutral and non-polar, at codon 243 of the RAD51C protein (p.Gly243Ala). This variant is not present in population databases (gnomAD no frequency). This variant has not been reported in the literature in individuals affected with RAD51C-related conditions. Invitae Evidence Modeling of protein sequence and biophysical properties (such as structural, functional, and spatial information, amino acid conservation, physicochemical variation, residue mobility, and thermodynamic stability) indicates that this missense variant is not expected to disrupt RAD51C protein function with a negative predictive value of 80%. In summary, the available evidence is currently insufficient to determine the role of this variant in disease. Therefore, it has been classified as a Variant of Uncertain Significance.